The following is an entry in ClinVar:

NM_152327.5(AK7):c.952G>A (p.Asp318Asn)

Gene: AK7 (adenylate kinase 7; plus strand). Cytogenetic location: 14q32.2.
Variant type: single nucleotide variant.
Coding change: c.952G>A on transcript NM_152327.5 (MANE Select); coding-DNA position 952, G replaced by A.
Protein change: p.Asp318Asn; replaces aspartic acid 318 with asparagine.
Molecular consequence: missense variant.
Genome position (GRCh38, 1-based): chr14:96,451,424, G>A. VCF-style: chr14-96451424-G-A. GRCh37 (hg19) VCF-style: chr14-96917761-G-A.
Other names: c.952G>A, p.Asp318Asn (NM_001350888.2, NM_001350890.2, NM_001350892.2); c.874G>A, p.Asp292Asn (NM_001350891.2); short protein forms D318N, D292N.
Identifiers: ClinVar variation 2787064 (VCV002787064.3), dbSNP rs2504524210, ClinGen allele CA390913493.

ClinVar aggregate classification (germline): Uncertain significance (1 of 4 stars; one submission).

Allele frequency attached by ClinVar (database versions not stated): gnomAD exomes below 0.00001.
gnomAD v4.1: 1 of 1,567,796 alleles (0.000064%); highest among the groups gnomAD compares: Non-Finnish European, 0.000087%; no homozygotes.

Submission:

Labcorp Genetics (formerly Invitae), Labcorp
Classification: Uncertain significance. Last evaluated: 2023-04-22. Review status: criteria provided, single submitter. Criteria: Invitae Variant Classification Sherloc (09022015). Collection method: clinical testing. Allele origin: germline.
Comment: This variant is not present in population databases (gnomAD no frequency). This sequence change replaces aspartic acid, which is acidic and polar, with asparagine, which is neutral and polar, at codon 318 of the AK7 protein (p.Asp318Asn). This variant has not been reported in the literature in individuals affected with AK7-related conditions. In summary, the available evidence is currently insufficient to determine the role of this variant in disease. Therefore, it has been classified as a Variant of Uncertain Significance. Algorithms developed to predict the effect of sequence changes on RNA splicing suggest that this variant may disrupt the consensus splice site. Advanced modeling of protein sequence and biophysical properties (such as structural, functional, and spatial information, amino acid conservation, physicochemical variation, residue mobility, and thermodynamic stability) performed at Invitae indicates that this missense variant is not expected to disrupt AK7 protein function.